The following is an entry in ClinVar:

ClinVar aggregate classification (germline): Pathogenic (1 of 4 stars; one submission).

Submission:

GeneDx
Classification: Pathogenic. Last evaluated: 2016-09-14. Review status: criteria provided, single submitter. Criteria: GeneDx Variant Classification (06012015). Collection method: clinical testing. Allele origin: germline. Affected: yes.
Comment: The c.4610dupT pathogenic variant in the SCN1A gene causes a frameshift starting with codon Valine 1538, changes this amino acid to an Arginine residue and creates a premature Stop codon at position 7 of the new reading frame, denoted p.Val1538ArgfsX7. This pathogenic variant is predicted to cause loss of normal protein function either through protein truncation or nonsense-mediated mRNA decay.

NM_001165963.4(SCN1A):c.4610dup (p.Val1538fs)

Genes: SCN1A (sodium voltage-gated channel alpha subunit 1; minus strand), LOC102724058 (uncharacterized LOC102724058; plus strand). Cytogenetic location: 2q24.3.
Variant type: Duplication.
Coding change: c.4610dup on transcript NM_001165963.4 (MANE Select); coding-DNA position 4610, one base duplicated (T; older notation c.4610dupT).
Protein change: p.Val1538fs; shifts the reading frame from valine 1538.
Molecular consequence: frameshift variant. On other transcripts: non-coding transcript variant (1).
Genome position (GRCh38, 1-based): chr2:165,994,388, A duplicated on the plus strand (T on the coding strand, the reverse complement: SCN1A is on the minus strand); the first of 2 consecutive A bases (chr2:165,994,388-165,994,389); duplicating either gives the same sequence. VCF-style (leftmost placement, unchanged base first): chr2-165994387-G-GA. GRCh37 (hg19) VCF-style: chr2-166850897-G-GA.
Other names: c.4526dup, p.Val1510fs (NM_001165964.3, NM_001353957.2, NM_001353958.2); c.4610dup, p.Val1538fs (NM_001202435.3, NM_001353948.2); c.4577dup, p.Val1527fs (NM_001353949.2, NM_001353950.2, NM_001353951.2 and 2 more transcripts); c.4574dup, p.Val1526fs (NM_001353954.2, NM_001353955.2); c.4523dup, p.Val1509fs (NM_001353960.2); c.2168dup, p.Val724fs (NM_001353961.2); short protein forms V1538fs, V1510fs, V1526fs, V1527fs, V1509fs, V724fs.
Identifiers: ClinVar variation 280849 (VCV000280849.2), dbSNP rs886041982, ClinGen allele CA10602791.